The following is an entry in ClinVar:

NM_144992.5(VWA3B):c.3471G>A (p.Ala1157=)

Gene: VWA3B (von Willebrand factor A domain containing 3B; plus strand). Cytogenetic location: 2q11.2.
Variant type: single nucleotide variant.
Coding change: c.3471G>A on transcript NM_144992.5 (MANE Select); coding-DNA position 3471, G replaced by A.
Protein change: p.Ala1157=; no amino-acid change (alanine 1157 retained).
Molecular consequence: synonymous variant. On other transcripts: non-coding transcript variant (1).
Genome position (GRCh38, 1-based): chr2:98,303,752, G>A. VCF-style: chr2-98303752-G-A. GRCh37 (hg19) VCF-style: chr2-98920215-G-A.
Other names: c.2442G>A, p.Ala814= (NM_001345864.2).
Identifiers: ClinVar variation 739090 (VCV000739090.48), dbSNP rs146673560, ClinGen allele CA1793332.

ClinVar aggregate classification (germline): Conflicting classifications of pathogenicity. Review status: criteria provided, conflicting classifications (1 of 4 stars). 4 submissions from 4 submitters: Uncertain significance (1); Likely benign (2). 1 of the submissions does not count toward it. Last evaluated 2024-04-16.

Conditions:
VWA3B-related disorder. Also called: VWA3B-related condition.

Allele frequency attached by ClinVar (database versions not stated): ESP Exome Variant Server 0.00008; gnomAD 0.00010; TOPMed 0.00027; 1000 Genomes Project 30x 0.00047; 1000 Genomes Project 0.00060.
gnomAD v4.1: 300 of 1,614,084 alleles (0.019%); highest among the groups gnomAD compares: Middle Eastern, 0.12%; no homozygotes.

Submissions (4):

Blueprint Genetics
Classification: Likely benign. Last evaluated: 2024-04-16. Review status: criteria provided, single submitter. Criteria: ACMG Guidelines, 2015. Collection method: clinical testing. Allele origin: germline.

Labcorp Genetics (formerly Invitae), Labcorp
Classification: Likely benign. Last evaluated: 2019-12-31. Review status: criteria provided, single submitter. Criteria: Invitae Variant Classification Sherloc (09022015). Collection method: clinical testing. Allele origin: germline.

CeGaT Center for Human Genetics Tuebingen
Classification: Uncertain significance. Last evaluated: 2017-05-01. Review status: criteria provided, single submitter. Criteria: CeGaT Center For Human Genetics Tuebingen Variant Classification Criteria Version 2. Collection method: clinical testing. Allele origin: germline. Affected: yes. Observed: 1 variant allele.

PreventionGenetics, part of Exact Sciences
Classification: Likely benign for VWA3B-related condition. Last evaluated: 2019-06-10. Review status: no assertion criteria provided. Collection method: clinical testing. Allele origin: germline. Not counted in ClinVar's aggregate classification.
Comment: This variant is classified as likely benign based on ACMG/AMP sequence variant interpretation guidelines (Richards et al. 2015 PMID: 25741868, with internal and published modifications).